The following is an entry in ClinVar:

ClinVar aggregate classification (germline): Uncertain significance (1 of 4 stars; one submission).

gnomAD v4.1: 1 of 1,613,828 alleles (0.000062%); highest among the groups gnomAD compares: Non-Finnish European, 0.000085%; no homozygotes.

Submission:

GeneDx
Classification: Uncertain significance. Last evaluated: 2026-02-04. Review status: criteria provided, single submitter. Criteria: GeneDx Variant Classification Process June 2021. Collection method: clinical testing. Allele origin: germline.
Comment: Not observed at significant frequency in large population cohorts (gnomAD); In silico analysis supports that this missense variant has a deleterious effect on protein structure/function; Has not been previously published as pathogenic or benign to our knowledge

NM_001130438.3(SPTAN1):c.6479G>T (p.Arg2160Leu)

Gene: SPTAN1 (spectrin alpha, non-erythrocytic 1; plus strand). Cytogenetic location: 9q34.11.
Variant type: single nucleotide variant.
Coding change: c.6479G>T on transcript NM_001130438.3 (MANE Select); coding-DNA position 6479, G replaced by T.
Protein change: p.Arg2160Leu; replaces arginine 2160 with leucine.
Molecular consequence: missense variant.
Genome position (GRCh38, 1-based): chr9:128,626,590, G>T. VCF-style: chr9-128626590-G-T. GRCh37 (hg19) VCF-style: chr9-131388869-G-T.
Other names: c.6404G>T, p.Arg2135Leu (NM_001195532.2, NM_001438441.1, NM_001438444.1); c.6479G>T, p.Arg2160Leu (NM_001363759.2, NM_001375310.1, NM_001375311.2 and 1 more transcripts); c.6419G>T, p.Arg2140Leu (NM_001363765.2, NM_001375314.2, NM_001438442.1); c.6515G>T, p.Arg2172Leu (NM_001375312.2, NM_001375318.1, NM_001438440.1); c.6464G>T, p.Arg2155Leu (NM_001438443.1, NM_001438445.1, NM_003127.4); short protein forms R2135L, R2140L, R2155L, R2160L, R2172L.
Identifiers: ClinVar variation 4976050 (VCV004976050.1).